The following is an entry in ClinVar:

ClinVar aggregate classification (germline): Uncertain significance (1 of 4 stars; one submission).

Conditions:
Severe X-linked myotubular myopathy (CNMX). Also called: MYOTUBULAR MYOPATHY 1; Myotubular myopathy, X-linked; X-linked centronuclear myopathy. Identifiers: Orphanet 596, MedGen C0410203, MONDO:0010683, OMIM 310400.

Allele frequency attached by ClinVar (database versions not stated): gnomAD exomes below 0.00001; TOPMed 0.00001.
gnomAD v4.1: 1 of 1,211,558 alleles (0.000083%); highest among the groups gnomAD compares: Admixed American, 0.0022%; no homozygotes.

Submission:

Labcorp Genetics (formerly Invitae), Labcorp
Classification: Uncertain significance for Severe X-linked myotubular myopathy. Last evaluated: 2024-07-03. Review status: criteria provided, single submitter. Criteria: Invitae Variant Classification Sherloc (09022015). Collection method: clinical testing. Allele origin: germline.
Comment: This sequence change replaces serine, which is neutral and polar, with phenylalanine, which is neutral and non-polar, at codon 583 of the MTM1 protein (p.Ser583Phe). This variant is present in population databases (no rsID available, gnomAD 0.004%). This variant has not been reported in the literature in individuals affected with MTM1-related conditions. Advanced modeling of protein sequence and biophysical properties (such as structural, functional, and spatial information, amino acid conservation, physicochemical variation, residue mobility, and thermodynamic stability) has been performed at Invitae for this missense variant, however the output from this modeling did not meet the statistical confidence thresholds required to predict the impact of this variant on MTM1 protein function. In summary, the available evidence is currently insufficient to determine the role of this variant in disease. Therefore, it has been classified as a Variant of Uncertain Significance.

NM_000252.3(MTM1):c.1748C>T (p.Ser583Phe)

Gene: MTM1 (myotubularin 1; plus strand). Cytogenetic location: Xq28.
Variant type: single nucleotide variant.
Coding change: c.1748C>T on transcript NM_000252.3 (MANE Select); coding-DNA position 1748, C replaced by T.
Protein change: p.Ser583Phe; replaces serine 583 with phenylalanine.
Molecular consequence: missense variant.
Genome position (GRCh38, 1-based): chrX:150,671,531, C>T. VCF-style: chrX-150671531-C-T. GRCh37 (hg19) VCF-style: chrX-149840004-C-T.
Other names: c.1745C>T, p.Ser582Phe (NM_001376906.1); c.1637C>T, p.Ser546Phe (NM_001376907.1); c.1748C>T, p.Ser583Phe (NM_001376908.1); short protein forms S546F, S582F, S583F.
Identifiers: ClinVar variation 2913102 (VCV002913102.3), dbSNP rs1557415148, ClinGen allele CA415023400.
Genomic context (GRCh38, chrX:150,671,531, plus strand): 5'-TACGCGACGAATACATAAAGCGGCTTGAGGAACTGCAGCTCGCCAACTCTGCCAAGCTTT[C>T]TGATCCCCCAACTTCACCTTCCAGTCCTTCGCAAATGATGCCCCATGTGCAAACTCACTT-3'
Protein context (NP_000243.1, residues 573-593): ELQLANSAKL[Ser583Phe]DPPTSPSSPS